The following is an entry in ClinVar:

ClinVar aggregate classification (germline): Benign. Review status: criteria provided, multiple submitters, no conflicts (2 of 4 stars). 13 submissions from 11 submitters: Benign (11). 2 of the submissions do not count toward it. Last evaluated 2026-01-24.

Conditions:
Hereditary spastic paraplegia. Also called: Familial spastic paraparesis. Identifiers: Orphanet 685, MedGen C0037773, MONDO:0019064. Disease mechanism: loss of function.
Spinocerebellar ataxia, autosomal recessive, with axonal neuropathy 2 (SCAN2). Also called: ATAXIA-OCULOMOTOR APRAXIA 2; Ataxia with Oculomotor Apraxia; Ataxia-ocular apraxia-2; Ataxia with Oculomotor Apraxia Type 2. Identifiers: Orphanet 64753, MedGen C1853761, MONDO:0018996, OMIM 606002.
Amyotrophic lateral sclerosis type 4 (ALS4). Also called: AMYOTROPHIC LATERAL SCLEROSIS 4, JUVENILE; NEURONOPATHY, DISTAL HEREDITARY MOTOR, WITH PYRAMIDAL FEATURES. Identifiers: Orphanet 357043, MedGen C1865409, MONDO:0011223, OMIM 602433.

Allele frequency attached by ClinVar (database versions not stated): gnomAD exomes 0.00135 and 0.00372; ExAC 0.00461; 1000 Genomes Project 0.01258; 1000 Genomes Project 30x 0.01437; gnomAD 0.01473 and 0.01591; TOPMed 0.01685; ESP Exome Variant Server 0.01738.
gnomAD v4.1: 4,311 of 1,613,740 alleles (0.27%); highest among the groups gnomAD compares: African/African-American, 5.1%; 110 homozygotes.

Submissions (13):

Labcorp Genetics (formerly Invitae), Labcorp
Classification: Benign for Amyotrophic lateral sclerosis type 4; Spinocerebellar ataxia, autosomal recessive, with axonal neuropathy 2. Last evaluated: 2026-01-24. Review status: criteria provided, single submitter. Criteria: Invitae Variant Classification Sherloc (09022015). Collection method: clinical testing. Allele origin: germline.

ARUP Laboratories, Molecular Genetics and Genomics, ARUP Laboratories
Classification: Benign. Last evaluated: 2023-11-22. Review status: criteria provided, single submitter. Criteria: ARUP Molecular Germline Variant Investigation Process 2024. Collection method: clinical testing. Allele origin: germline.

Mayo Clinic Laboratories, Mayo Clinic
Classification: Benign. Last evaluated: 2023-06-05. Review status: criteria provided, single submitter. Criteria: ACMG Guidelines, 2015. Collection method: clinical testing. Allele origin: germline. Observed: 15 variant alleles.

Genome-Nilou Lab
Classification: Benign for Spinocerebellar ataxia, autosomal recessive, with axonal neuropathy 2. Last evaluated: 2023-02-08. Review status: criteria provided, single submitter. Criteria: ACMG Guidelines, 2015. Collection method: clinical testing. Allele origin: germline.

Genome-Nilou Lab
Classification: Benign for Amyotrophic lateral sclerosis type 4. Last evaluated: 2023-02-08. Review status: criteria provided, single submitter. Criteria: ACMG Guidelines, 2015. Collection method: clinical testing. Allele origin: germline.

Genome Diagnostics Laboratory, The Hospital for Sick Children
Classification: Benign for Hereditary spastic paraplegia. Last evaluated: 2021-05-14. Review status: criteria provided, single submitter. Criteria: ACMG Guidelines, 2015. Collection method: clinical testing. Allele origin: germline. Affected: yes.

GeneDx
Classification: Benign. Last evaluated: 2018-10-05. Review status: criteria provided, single submitter. Criteria: GeneDx Variant Classification Process June 2021. Collection method: clinical testing. Allele origin: germline. Affected: yes.

Illumina Laboratory Services, Illumina
Classification: Benign for Spinocerebellar ataxia, autosomal recessive, with axonal neuropathy 2. Last evaluated: 2018-01-13. Review status: criteria provided, single submitter. Criteria: ICSL Variant Classification Criteria 13 December 2019. Collection method: clinical testing. Allele origin: germline.
Comment: This variant was observed in the ICSL laboratory as part of a predisposition screen in an ostensibly healthy population. It had not been previously curated by ICSL or reported in the Human Gene Mutation Database (HGMD: prior to June 1st, 2018), and was therefore a candidate for classification through an automated scoring system. Utilizing variant allele frequency, disease prevalence and penetrance estimates, and inheritance mode, an automated score was calculated to assess if this variant is too frequent to cause the disease. Based on the score and internal cut-off values, a variant classified as benign is not then subjected to further curation. The score for this variant resulted in a classification of benign for this disease.

Illumina Laboratory Services, Illumina
Classification: Benign for Amyotrophic lateral sclerosis type 4. Last evaluated: 2018-01-13. Review status: criteria provided, single submitter. Criteria: ICSL Variant Classification Criteria 13 December 2019. Collection method: clinical testing. Allele origin: germline.
Comment: the same text as in the submission from Illumina Laboratory Services, Illumina above.

Athena Diagnostics
Classification: Benign. Last evaluated: 2017-09-13. Review status: criteria provided, single submitter. Criteria: Athena Diagnostics Criteria. Collection method: clinical testing. Allele origin: germline.

Breakthrough Genomics
Classification: Benign. Review status: criteria provided, single submitter. Criteria: ACMG Guidelines, 2015. Collection method: not provided. Allele origin: germline. Inheritance: Autosomal recessive inheritance. Affected: yes.

Clinical Genetics, Academic Medical Center
Classification: Benign. Review status: no assertion criteria provided. Collection method: clinical testing. Allele origin: germline. Affected: yes. Study: VKGL Data-share Consensus. Not counted in ClinVar's aggregate classification.

Genome Diagnostics Laboratory, Amsterdam University Medical Center
Classification: Likely benign. Review status: no assertion criteria provided. Collection method: clinical testing. Allele origin: germline. Affected: yes. Study: VKGL Data-share Consensus. Not counted in ClinVar's aggregate classification.

NM_015046.7(SETX):c.3182C>T (p.Pro1061Leu)

Gene: SETX (senataxin; minus strand). Cytogenetic location: 9q34.13.
Variant type: single nucleotide variant.
Coding change: c.3182C>T on transcript NM_015046.7 (MANE Select); coding-DNA position 3182, C replaced by T.
Protein change: p.Pro1061Leu; replaces proline 1061 with leucine.
Molecular consequence: missense variant.
Genome position (GRCh38, 1-based): chr9:132,328,416, G>A on the plus strand (C>T on the coding strand, the complement: SETX is on the minus strand). VCF-style: chr9-132328416-G-A. GRCh37 (hg19) VCF-style: chr9-135203803-G-A.
Other names: p.Pro1061Leu; c.3182C>T, p.Pro1061Leu (NM_001351527.2, NM_001351528.2); short protein forms P1061L.
Identifiers: ClinVar variation 468499 (VCV000468499.69), dbSNP rs12352982, ClinGen allele CA5297454.
Genomic context (GRCh38, chr9:132,328,416, plus strand): 5'-AAACACTGAGAATCAGATTCCTCAAACTGAAAAAGAGTCTCTGTCTTTTCTTCCTTTACT[G>A]GATTCTTTTCCTCCTTACTATTAACTGTTGAAACGTGCTGCTCTGGATGTTCCCTCTCAA-3'
Protein context (NP_055861.3, residues 1051-1071): STVNSKEEKN[Pro1061Leu]VKEEKTETLF